The following is an entry in ClinVar:

ClinVar aggregate classification (germline): Uncertain significance. Review status: criteria provided, multiple submitters, no conflicts (2 of 4 stars). 2 submissions from 2 submitters: Uncertain significance (2). Last evaluated 2025-01-24.

Allele frequency attached by ClinVar (database versions not stated): 1000 Genomes Project 30x 0.00016; 1000 Genomes Project 0.00020.
gnomAD v4.1: 23 of 1,608,348 alleles (0.0014%); highest among the groups gnomAD compares: Admixed American, 0.037%; no homozygotes.

Submissions (2):

Ambry Genetics
Classification: Uncertain significance. Last evaluated: 2025-01-24. Review status: criteria provided, single submitter. Criteria: Ambry Variant Classification Scheme 2023. Collection method: clinical testing. Allele origin: germline.

Labcorp Genetics (formerly Invitae), Labcorp
Classification: Uncertain significance. Last evaluated: 2022-04-25. Review status: criteria provided, single submitter. Criteria: Invitae Variant Classification Sherloc (09022015). Collection method: clinical testing. Allele origin: germline.
Comment: In summary, the available evidence is currently insufficient to determine the role of this variant in disease. Therefore, it has been classified as a Variant of Uncertain Significance. Algorithms developed to predict the effect of missense changes on protein structure and function (SIFT, PolyPhen-2, Align-GVGD) all suggest that this variant is likely to be tolerated. This variant has not been reported in the literature in individuals affected with KRT74-related conditions. This variant is present in population databases (rs192063771, gnomAD 0.05%), and has an allele count higher than expected for a pathogenic variant. This sequence change replaces threonine, which is neutral and polar, with asparagine, which is neutral and polar, at codon 518 of the KRT74 protein (p.Thr518Asn).

NM_175053.4(KRT74):c.1553C>A (p.Thr518Asn)

Gene: KRT74 (keratin 74; minus strand). Cytogenetic location: 12q13.13.
Variant type: single nucleotide variant.
Coding change: c.1553C>A on transcript NM_175053.4 (MANE Select); coding-DNA position 1553, C replaced by A.
Protein change: p.Thr518Asn; replaces threonine 518 with asparagine.
Molecular consequence: missense variant.
Genome position (GRCh38, 1-based): chr12:52,567,006, G>T on the plus strand (C>A on the coding strand, the complement: KRT74 is on the minus strand). VCF-style: chr12-52567006-G-T. GRCh37 (hg19) VCF-style: chr12-52960790-G-T.
Other names: c.1553C>A (NM_175053.3); short protein forms T518N.
Identifiers: ClinVar variation 1990117 (VCV001990117.5), dbSNP rs192063771, ClinGen allele CA6583605.